The following is an entry in ClinVar:

NM_000038.6(APC):c.3407A>G (p.Glu1136Gly)

Gene: APC (APC regulator of Wnt signaling pathway; plus strand). Cytogenetic location: 5q22.2.
Variant type: single nucleotide variant.
Coding change: c.3407A>G on transcript NM_000038.6 (MANE Select); coding-DNA position 3407, A replaced by G.
Protein change: p.Glu1136Gly; replaces glutamic acid 1136 with glycine.
Molecular consequence: missense variant.
Genome position (GRCh38, 1-based): chr5:112,839,001, A>G. VCF-style: chr5-112839001-A-G. GRCh37 (hg19) VCF-style: chr5-112174698-A-G.
Other names: c.3407A>G, p.Glu1136Gly (NM_001127510.3, NM_001354895.2); c.3353A>G, p.Glu1118Gly (NM_001127511.3); c.3461A>G, p.Glu1154Gly (NM_001354896.2); c.3437A>G, p.Glu1146Gly (NM_001354897.2); c.3332A>G, p.Glu1111Gly (NM_001354898.2); c.3323A>G, p.Glu1108Gly (NM_001354899.2); c.3284A>G, p.Glu1095Gly (NM_001354900.2); c.3230A>G, p.Glu1077Gly (NM_001354901.2); and 5 more; short protein forms E1010G, E1136G, E1154G, E1035G, E1045G, E1095G, E1111G, E1118G.
Identifiers: ClinVar variation 1507413 (VCV001507413.8), dbSNP rs878853439, ClinGen allele CA16028800.
Genomic context (GRCh38, chr5:112,839,001, plus strand): 5'-GTTCTAATCATGGAATTAATCAAAATGTAAGCCAGTCTTTGTGTCAAGAAGATGACTATG[A>G]AGATGATAAGCCTACCAATTATAGTGAACGTTACTCTGAAGAAGAACAGCATGAAGAAGA-3'
Protein context (NP_000029.2, residues 1126-1146): SQSLCQEDDY[Glu1136Gly]DDKPTNYSER

ClinVar aggregate classification (germline): Uncertain significance (1 of 4 stars; one submission).

Conditions:
Familial adenomatous polyposis 1 (FAP1). Also called: FAMILIAL ADENOMATOUS POLYPOSIS 1, ATTENUATED; POLYPOSIS, ADENOMATOUS INTESTINAL. Identifiers: MedGen C2713442, MONDO:0021056, OMIM 175100. Disease mechanism: loss of function.

Submission:

Labcorp Genetics (formerly Invitae), Labcorp
Classification: Uncertain significance for Familial adenomatous polyposis 1. Last evaluated: 2023-05-02. Review status: criteria provided, single submitter. Criteria: Invitae Variant Classification Sherloc (09022015). Collection method: clinical testing. Allele origin: germline.
Comment: In summary, the available evidence is currently insufficient to determine the role of this variant in disease. Therefore, it has been classified as a Variant of Uncertain Significance. Advanced modeling of protein sequence and biophysical properties (such as structural, functional, and spatial information, amino acid conservation, physicochemical variation, residue mobility, and thermodynamic stability) performed at Invitae indicates that this missense variant is not expected to disrupt APC protein function. ClinVar contains an entry for this variant (Variation ID: 1507413). This variant has not been reported in the literature in individuals affected with APC-related conditions. This variant is not present in population databases (gnomAD no frequency). This sequence change replaces glutamic acid, which is acidic and polar, with glycine, which is neutral and non-polar, at codon 1136 of the APC protein (p.Glu1136Gly).